The following is an entry in ClinVar:

NM_016373.4(WWOX):c.990C>G (p.Asn330Lys)

Gene: WWOX (WW domain containing oxidoreductase; plus strand). Cytogenetic location: 16q23.1.
Variant type: single nucleotide variant.
Coding change: c.990C>G on transcript NM_016373.4 (MANE Select); coding-DNA position 990, C replaced by G.
Protein change: p.Asn330Lys; replaces asparagine 330 with lysine.
Molecular consequence: missense variant.
Genome position (GRCh38, 1-based): chr16:78,432,686, C>G. VCF-style: chr16-78432686-C-G. GRCh37 (hg19) VCF-style: chr16-78466583-C-G.
Other names: c.990C>G (NM_016373.2); c.651C>G, p.Asn217Lys (NM_001291997.2); short protein forms N330K, N217K.
Identifiers: ClinVar variation 433131 (VCV000433131.12), dbSNP rs117209694, ClinGen allele CA8183593.

ClinVar aggregate classification (germline): Uncertain significance. Review status: criteria provided, multiple submitters, no conflicts (2 of 4 stars). 5 submissions from 5 submitters: Uncertain significance (4). 1 of the submissions does not count toward it. Last evaluated 2025-08-29.

Conditions:
Malignant tumor of esophagus. Also called: Esophageal cancer; Esophageal cancer, somatic. Identifiers: Orphanet 99977, MedGen C0546837, MONDO:0007576, OMIM 133239.
Developmental and epileptic encephalopathy, 28 (DEE28). Also called: Epileptic encephalopathy, early infantile, 28. Identifiers: Orphanet 442835, MedGen C4015519, MONDO:0014533, OMIM 616211.
Autosomal recessive spinocerebellar ataxia 12. Also called: SPINOCEREBELLAR ATAXIA WITH MENTAL RETARDATION AND EPILEPSY. Identifiers: Orphanet 284282, MedGen C3280452, MONDO:0013687, OMIM 614322.
Self-limited epilepsy with centrotemporal spikes. Also called: Childhood epilepsy with centrotemporal spikes; Rolandic epilepsy. Identifiers: Orphanet 1945, MedGen C0376532, MONDO:0007295.
Developmental and epileptic encephalopathy, 1 (DEE1). Also called: Epileptic encephalopathy, early infantile, 1; X-linked infantile spasms; West's syndrome; Tonic spasms with clustering, arrest of psychomotor development and hypsarrhythmia on EEG; X-Linked Infantile Spasm Syndrome; OHTAHARA SYNDROME, X-LINKED. Identifiers: MedGen C3463992, MONDO:0010632, OMIM 308350. Disease mechanism: loss of function.

Allele frequency attached by ClinVar (database versions not stated): 1000 Genomes Project 30x 0.00016; gnomAD 0.00016; ExAC 0.00017; 1000 Genomes Project 0.00020; TOPMed 0.00022; ESP Exome Variant Server 0.00056.
gnomAD v4.1: 593 of 1,614,206 alleles (0.037%); highest among the groups gnomAD compares: Non-Finnish European, 0.048%; 2 homozygotes.

Submissions (5):

GeneDx
Classification: Uncertain significance. Last evaluated: 2025-08-29. Review status: criteria provided, single submitter. Criteria: GeneDx Variant Classification Process June 2021. Collection method: clinical testing. Allele origin: germline.
Comment: Identified in an individual with high HDL-C levels; however, no additional phenotype information was provided and a second WWOX variant was not identified (PMID: 23685560); Identified in a patient with Rolandic epilepsy; however, additional clinical information was not provided (PMID: 29358611); In silico analysis suggests that this missense variant does not alter protein structure/function; This variant is associated with the following publications: (PMID: 25411445, 29358611, 23685560)

Blueprint Genetics
Classification: Uncertain significance. Last evaluated: 2024-10-02. Review status: criteria provided, single submitter. Criteria: ACMG Guidelines, 2015. Collection method: clinical testing. Allele origin: germline.

Labcorp Genetics (formerly Invitae), Labcorp
Classification: Uncertain significance for Developmental and epileptic encephalopathy, 1; Autosomal recessive spinocerebellar ataxia 12. Last evaluated: 2022-10-17. Review status: criteria provided, single submitter. Criteria: Invitae Variant Classification Sherloc (09022015). Collection method: clinical testing. Allele origin: germline.
Comment: This sequence change replaces asparagine, which is neutral and polar, with lysine, which is basic and polar, at codon 330 of the WWOX protein (p.Asn330Lys). This variant is present in population databases (rs117209694, gnomAD 0.03%). This missense change has been observed in individual(s) with Rolandic epilepsy (PMID: 29358611). ClinVar contains an entry for this variant (Variation ID: 433131). Advanced modeling of protein sequence and biophysical properties (such as structural, functional, and spatial information, amino acid conservation, physicochemical variation, residue mobility, and thermodynamic stability) performed at Invitae indicates that this missense variant is not expected to disrupt WWOX protein function. In summary, the available evidence is currently insufficient to determine the role of this variant in disease. Therefore, it has been classified as a Variant of Uncertain Significance.

Fulgent Genetics
Classification: Uncertain significance for Malignant tumor of esophagus; Autosomal recessive spinocerebellar ataxia 12; Developmental and epileptic encephalopathy, 28. Last evaluated: 2022-03-07. Review status: criteria provided, single submitter. Criteria: ACMG Guidelines, 2015. Collection method: clinical testing. Allele origin: unknown.

Bioinformatics Core, Luxembourg Center for Systems Biomedicine
Classification: Pathogenic for Self-limited epilepsy with centrotemporal spikes. Last evaluated: 2017-01-01. Review status: no assertion criteria provided. Collection method: case-control. Allele origin: germline. Affected: yes. Study: EUROEPINOMICS COGIE. Not counted in ClinVar's aggregate classification.

Literature cited by the submitters: PubMed 29358611 (cited by Labcorp Genetics (formerly Invitae), Labcorp and Bioinformatics Core, Luxembourg Center for Systems Biomedicine).